The following is an entry in ClinVar:

ClinVar aggregate classification (germline): Uncertain significance (1 of 4 stars; one submission).

Conditions:
Niemann-Pick disease, type C1. Also called: NIEMANN-PICK DISEASE, VARIANT TYPE C1; NEUROVISCERAL STORAGE DISEASE WITH VERTICAL SUPRANUCLEAR OPHTHALMOPLEGIA; NIEMANN-PICK DISEASE WITH CHOLESTEROL ESTERIFICATION BLOCK; NIEMANN-PICK DISEASE WITHOUT SPHINGOMYELINASE DEFICIENCY; NIEMANN-PICK DISEASE, CHRONIC NEURONOPATHIC FORM. Identifiers: Orphanet 646, MedGen C3179455, MONDO:0009757, OMIM 257220.

Submission:

Labcorp Genetics (formerly Invitae), Labcorp
Classification: Uncertain significance for Niemann-Pick disease, type C1. Last evaluated: 2024-02-17. Review status: criteria provided, single submitter. Criteria: Invitae Variant Classification Sherloc (09022015). Collection method: clinical testing. Allele origin: germline.
Comment: This sequence change replaces valine, which is neutral and non-polar, with leucine, which is neutral and non-polar, at codon 133 of the NPC1 protein (p.Val133Leu). This variant is not present in population databases (gnomAD no frequency). This variant has not been reported in the literature in individuals affected with NPC1-related conditions. ClinVar contains an entry for this variant (Variation ID: 1464171). Advanced modeling of protein sequence and biophysical properties (such as structural, functional, and spatial information, amino acid conservation, physicochemical variation, residue mobility, and thermodynamic stability) performed at Invitae indicates that this missense variant is not expected to disrupt NPC1 protein function with a negative predictive value of 95%. In summary, the available evidence is currently insufficient to determine the role of this variant in disease. Therefore, it has been classified as a Variant of Uncertain Significance.

NM_000271.5(NPC1):c.397G>C (p.Val133Leu)

Gene: NPC1 (NPC intracellular cholesterol transporter 1; minus strand). Cytogenetic location: 18q11.2.
Variant type: single nucleotide variant.
Coding change: c.397G>C on transcript NM_000271.5 (MANE Select); coding-DNA position 397, G replaced by C.
Protein change: p.Val133Leu; replaces valine 133 with leucine.
Molecular consequence: missense variant.
Genome position (GRCh38, 1-based): chr18:23,568,889, C>G on the plus strand (G>C on the coding strand, the complement: NPC1 is on the minus strand). VCF-style: chr18-23568889-C-G. GRCh37 (hg19) VCF-style: chr18-21148853-C-G.
Other names: short protein forms V133L.
Identifiers: ClinVar variation 1464171 (VCV001464171.8), dbSNP rs2145526753, ClinGen allele CA401785169.